The following is an entry in ClinVar:

NM_023110.3(FGFR1):c.2215G>T (p.Ala739Ser)

Gene: FGFR1 (fibroblast growth factor receptor 1; minus strand). Cytogenetic location: 8p11.23.
Variant type: single nucleotide variant.
Coding change: c.2215G>T on transcript NM_023110.3 (MANE Select); coding-DNA position 2215, G replaced by T.
Protein change: p.Ala739Ser; replaces alanine 739 with serine.
Molecular consequence: missense variant.
Genome position (GRCh38, 1-based): chr8:38,413,995, C>A on the plus strand (G>T on the coding strand, the complement: FGFR1 is on the minus strand). VCF-style: chr8-38413995-C-A. GRCh37 (hg19) VCF-style: chr8-38271513-C-A.
Other names: c.2209G>T, p.Ala737Ser (NM_001174063.2, NM_001174065.2, NM_001354367.2 and 1 more transcripts); c.2185G>T, p.Ala729Ser (NM_001174064.2); c.1948G>T, p.Ala650Ser (NM_001174066.2, NM_023105.3); c.2308G>T, p.Ala770Ser (NM_001174067.2); c.1936G>T, p.Ala646Ser (NM_001354368.2); c.2203G>T, p.Ala735Ser (NM_001354369.2, NM_001410922.1); c.1942G>T, p.Ala648Ser (NM_001354370.2, NM_023106.3); short protein forms A646S, A648S, A650S, A729S, A735S, A737S, A739S, A770S.
Identifiers: ClinVar variation 3754220 (VCV003754220.2).

ClinVar aggregate classification (germline): Uncertain significance (1 of 4 stars; one submission).

Conditions:
Pfeiffer syndrome (ACS5). Also called: ACS V. Identifiers: Orphanet 710, MedGen C0220658, MONDO:0007043, OMIM 101600.
Hypogonadotropic hypogonadism 2 with or without anosmia (HH2). Also called: FGFR1-Related GnRH Deficiency (Kallmann Syndrome 2); HYPOGONADOTROPIC HYPOGONADISM 2 WITH OR WITHOUT ANOSMIA, SUSCEPTIBILITY TO; HYPOGONADOTROPIC HYPOGONADISM 2 WITHOUT ANOSMIA; HYPOGONADOTROPIC HYPOGONADISM 2 WITHOUT ANOSMIA, SUSCEPTIBILITY TO. Identifiers: Orphanet 478, MedGen C1563720, MONDO:0007844, OMIM 147950. Disease mechanism: loss of function.

Submission:

Labcorp Genetics (formerly Invitae), Labcorp
Classification: Uncertain significance for Pfeiffer syndrome; Hypogonadotropic hypogonadism 2 with or without anosmia. Last evaluated: 2024-12-19. Review status: criteria provided, single submitter. Criteria: Invitae Variant Classification Sherloc (09022015). Collection method: clinical testing. Allele origin: germline.
Comment: This sequence change replaces alanine, which is neutral and non-polar, with serine, which is neutral and polar, at codon 739 of the FGFR1 protein (p.Ala739Ser). This variant is not present in population databases (gnomAD no frequency). This variant has not been reported in the literature in individuals affected with FGFR1-related conditions. Invitae Evidence Modeling of protein sequence and biophysical properties (such as structural, functional, and spatial information, amino acid conservation, physicochemical variation, residue mobility, and thermodynamic stability) indicates that this missense variant is not expected to disrupt FGFR1 protein function with a negative predictive value of 80%. In summary, the available evidence is currently insufficient to determine the role of this variant in disease. Therefore, it has been classified as a Variant of Uncertain Significance.